The following is an entry in ClinVar:

ClinVar aggregate classification (germline): Uncertain significance (1 of 4 stars; one submission).

Submission:

Labcorp Genetics (formerly Invitae), Labcorp
Classification: Uncertain significance. Last evaluated: 2021-09-21. Review status: criteria provided, single submitter. Criteria: Invitae Variant Classification Sherloc (09022015). Collection method: clinical testing. Allele origin: germline.
Comment: This variant is not present in population databases (ExAC no frequency). In summary, the available evidence is currently insufficient to determine the role of this variant in disease. Therefore, it has been classified as a Variant of Uncertain Significance. Algorithms developed to predict the effect of missense changes on protein structure and function are either unavailable or do not agree on the potential impact of this missense change (SIFT: "Deleterious"; PolyPhen-2: "Probably Damaging"; Align-GVGD: "Class C15"). This variant has not been reported in the literature in individuals affected with AP3B2-related conditions. This sequence change replaces phenylalanine with leucine at codon 380 of the AP3B2 protein (p.Phe380Leu). The phenylalanine residue is highly conserved and there is a small physicochemical difference between phenylalanine and leucine.

NM_001278512.2(AP3B2):c.1138T>C (p.Phe380Leu)

Genes: AP3B2 (adaptor related protein complex 3 subunit beta 2; minus strand), CPEB1-AS1 (CPEB1 antisense RNA 1; plus strand). Cytogenetic location: 15q25.2.
Variant type: single nucleotide variant.
Coding change: c.1138T>C on transcript NM_001278512.2 (MANE Select); coding-DNA position 1138, T replaced by C.
Protein change: p.Phe380Leu; replaces phenylalanine 380 with leucine.
Molecular consequence: missense variant.
Genome position (GRCh38, 1-based): chr15:82,679,773, A>G on the plus strand (T>C on the coding strand, the complement: AP3B2 is on the minus strand). VCF-style: chr15-82679773-A-G. GRCh37 (hg19) VCF-style: chr15-83348525-A-G.
Other names: c.1042T>C, p.Phe348Leu (NM_001278511.2); c.1138T>C, p.Phe380Leu (NM_004644.5); short protein forms F348L, F380L.
Identifiers: ClinVar variation 1380728 (VCV001380728.6), dbSNP rs2151440169, ClinGen allele CA393317903.